The following is an entry in ClinVar:

ClinVar aggregate classification (germline): Uncertain significance (1 of 4 stars; one submission).

Submission:

Labcorp Genetics (formerly Invitae), Labcorp
Classification: Uncertain significance. Last evaluated: 2025-08-18. Review status: criteria provided, single submitter. Criteria: Invitae Variant Classification Sherloc (09022015). Collection method: clinical testing. Allele origin: germline.
Comment: This sequence change replaces proline, which is neutral and non-polar, with serine, which is neutral and polar, at codon 187 of the KCNK4 protein (p.Pro187Ser). This variant is not present in population databases (gnomAD no frequency). This variant has not been reported in the literature in individuals affected with KCNK4-related conditions. ClinVar contains an entry for this variant (Variation ID: 3695908). An algorithm developed to predict the effect of missense changes on protein structure and function (PolyPhen-2) suggests that this variant is likely to be disruptive. In summary, the available evidence is currently insufficient to determine the role of this variant in disease. Therefore, it has been classified as a Variant of Uncertain Significance.

NM_033310.3(KCNK4):c.559C>T (p.Pro187Ser)

Genes: KCNK4 (potassium two pore domain channel subfamily K member 4; plus strand), KCNK4-CATSPERZ (KCNK4-CATSPERZ readthrough (NMD candidate); plus strand). Cytogenetic location: 11q13.1.
Variant type: single nucleotide variant.
Coding change: c.559C>T on transcript NM_033310.3 (MANE Select); coding-DNA position 559, C replaced by T.
Protein change: p.Pro187Ser; replaces proline 187 with serine.
Molecular consequence: missense variant. On other transcripts: non-coding transcript variant (1).
Genome position (GRCh38, 1-based): chr11:64,297,551, C>T. VCF-style: chr11-64297551-C-T. GRCh37 (hg19) VCF-style: chr11-64065023-C-T.
Other names: c.559C>T, p.Pro187Ser (NM_001317090.2); short protein forms P187S.
Identifiers: ClinVar variation 3695908 (VCV003695908.2).
Genomic context (GRCh38, chr11:64,297,551, plus strand): 5'-GTAAGAGTGCTGTCGGCGATGCTTTTCCTGCTGATCGGCTGCCTGCTCTTTGTCCTCACG[C>T]CCACGTTCGTGTTCTGCTATATGGAGGACTGGAGCAAGCTGGAGGCCATCTACTTTGTCA-3'
Protein context (NP_201567.1, residues 177-197): LIGCLLFVLT[Pro187Ser]TFVFCYMEDW